The following is an entry in ClinVar:

ClinVar aggregate classification (germline): Uncertain significance (1 of 4 stars; one submission).

Conditions:
Autosomal dominant nonsyndromic hearing loss 1. Also called: DEAFNESS, AUTOSOMAL DOMINANT 1, WITH OR WITHOUT THROMBOCYTOPENIA; KONIGSMARK SYNDROME. Identifiers: Orphanet 90635, MedGen C1852282, MONDO:0007424, OMIM 124900.
Progressive microcephaly-seizures-cortical blindness-developmental delay syndrome. Also called: Seizures, cortical blindness, and microcephaly syndrome. Identifiers: Orphanet 477814, MedGen C5567650, MONDO:0014714, OMIM 616632.

Allele frequency attached by ClinVar (database versions not stated): gnomAD 0.00001.
gnomAD v4.1: 5 of 1,614,040 alleles (0.00031%); highest among the groups gnomAD compares: African/African-American, 0.0013%; no homozygotes.

Submission:

Labcorp Genetics (formerly Invitae), Labcorp
Classification: Uncertain significance for Progressive microcephaly-seizures-cortical blindness-developmental delay syndrome; Autosomal dominant nonsyndromic hearing loss 1. Last evaluated: 2024-07-12. Review status: criteria provided, single submitter. Criteria: Invitae Variant Classification Sherloc (09022015). Collection method: clinical testing. Allele origin: germline.
Comment: This sequence change falls in intron 24 of the DIAPH1 gene. It does not directly change the encoded amino acid sequence of the DIAPH1 protein. This variant is not present in population databases (gnomAD no frequency). This variant has not been reported in the literature in individuals affected with DIAPH1-related conditions. ClinVar contains an entry for this variant (Variation ID: 1388241). Algorithms developed to predict the effect of sequence changes on RNA splicing suggest that this variant may create or strengthen a splice site. In summary, the available evidence is currently insufficient to determine the role of this variant in disease. Therefore, it has been classified as a Variant of Uncertain Significance.

NM_005219.5(DIAPH1):c.3274-5T>A

Gene: DIAPH1 (diaphanous related formin 1; minus strand). Cytogenetic location: 5q31.3.
Variant type: single nucleotide variant.
Coding change: c.3274-5T>A on transcript NM_005219.5 (MANE Select); 5 bases into the intron before coding-DNA position 3274, T replaced by A.
Molecular consequence: intron variant.
Genome position (GRCh38, 1-based): chr5:141,526,466, A>T on the plus strand (T>A on the coding strand, the complement: DIAPH1 is on the minus strand). VCF-style: chr5-141526466-A-T. GRCh37 (hg19) VCF-style: chr5-140906033-A-T.
Other names: c.3247-5T>A (NM_001079812.3); c.3274-5T>A (NM_001314007.2).
Identifiers: ClinVar variation 1388241 (VCV001388241.6), dbSNP rs748520819, ClinGen allele CA128423979.